The following is an entry in ClinVar:

NM_003931.3(WASF1):c.307A>G (p.Ser103Gly)

Gene: WASF1 (WASP family member 1; minus strand). Cytogenetic location: 6q21.
Variant type: single nucleotide variant.
Coding change: c.307A>G on transcript NM_003931.3 (MANE Select); coding-DNA position 307, A replaced by G.
Protein change: p.Ser103Gly; replaces serine 103 with glycine.
Molecular consequence: missense variant.
Genome position (GRCh38, 1-based): chr6:110,108,643, T>C on the plus strand (A>G on the coding strand, the complement: WASF1 is on the minus strand). VCF-style: chr6-110108643-T-C. GRCh37 (hg19) VCF-style: chr6-110429846-T-C.
Other names: c.307A>G, p.Ser103Gly (NM_001024934.2, NM_001024935.2, NM_001024936.2); short protein forms S103G.
Identifiers: ClinVar variation 2656843 (VCV002656843.24), dbSNP rs2534229921, ClinGen allele CA365352160.

ClinVar aggregate classification (germline): Uncertain significance (1 of 4 stars; one submission).

Submission:

CeGaT Center for Human Genetics Tuebingen
Classification: Uncertain significance. Last evaluated: 2023-03-01. Review status: criteria provided, single submitter. Criteria: CeGaT Center For Human Genetics Tuebingen Variant Classification Criteria Version 2. Collection method: clinical testing. Allele origin: germline. Affected: yes. Observed: 1 variant allele.
Comment: WASF1: PM2